The following is an entry in ClinVar:

ClinVar aggregate classification (germline): Uncertain significance (1 of 4 stars; one submission).

Conditions:
Wilms tumor 1 (WT1). Also called: Wilms tumor, somatic. Identifiers: Orphanet 654, MedGen CN033288, MONDO:0008679, OMIM 194070.
Drash syndrome (DDS). Also called: NEPHROPATHY, WILMS TUMOR, AND GENITAL ANOMALIES; WILMS TUMOR AND PSEUDO- OR TRUE HERMAPHRODITISM. Identifiers: Orphanet 220, MedGen C0950121, MONDO:0008682, OMIM 194080.
11p partial monosomy syndrome (WAGR). Also called: WAGR Spectrum Disorder; CHROMOSOME 11p13 DELETION SYNDROME; WAGR syndrome; WAGR Complex. Identifiers: Orphanet 893, MedGen C0206115, MONDO:0008681, OMIM 194072.
Frasier syndrome. Identifiers: Orphanet 347, MedGen C0950122, MeSH D052159, MONDO:0007635, OMIM 136680.

Submission:

Labcorp Genetics (formerly Invitae), Labcorp
Classification: Uncertain significance for Wilms tumor 1; Drash syndrome; 11p partial monosomy syndrome; Frasier syndrome. Last evaluated: 2021-09-01. Review status: criteria provided, single submitter. Criteria: Invitae Variant Classification Sherloc (09022015). Collection method: clinical testing. Allele origin: germline.
Comment: This sequence change falls in intron 5 of the WT1 gene. It does not directly change the encoded amino acid sequence of the WT1 protein. It affects a nucleotide within the consensus splice site of the intron. This variant is not present in population databases (ExAC no frequency). This variant has not been reported in the literature in individuals affected with WT1-related conditions. ClinVar contains an entry for this variant (Variation ID: 476673). Variants that disrupt the consensus splice site are a relatively common cause of aberrant splicing (PMID: 17576681, 9536098). Algorithms developed to predict the effect of sequence changes on RNA splicing suggest that this variant is not likely to affect RNA splicing. In summary, the available evidence is currently insufficient to determine the role of this variant in disease. Therefore, it has been classified as a Variant of Uncertain Significance.

Literature cited by the submitters: PubMed 17576681; PubMed 9536098.

NM_024426.6(WT1):c.1017-3C>T

Gene: WT1 (WT1 transcription factor; minus strand). Cytogenetic location: 11p13.
Variant type: single nucleotide variant.
Coding change: c.1017-3C>T on transcript NM_024426.6 (MANE Select); 3 bases into the intron before coding-DNA position 1017, C replaced by T.
Molecular consequence: intron variant.
Genome position (GRCh38, 1-based): chr11:32,400,047, G>A on the plus strand (C>T on the coding strand, the complement: WT1 is on the minus strand). VCF-style: chr11-32400047-G-A. GRCh37 (hg19) VCF-style: chr11-32421593-G-A.
Other names: c.843-3C>T (NM_001407050.1); c.894-3C>T (NM_001407047.1); c.966-3C>T (NM_001407048.1, NM_001407049.1, NM_000378.6 and 1 more transcripts); c.1017-9C>T (NM_001407044.1); c.1017-3C>T (NM_001407046.1, NM_024424.5); c.255-3C>T (NM_001407051.1); c.315-3C>T (NM_001198552.2); c.366-3C>T (NM_001198551.2); and 1 more.
Identifiers: ClinVar variation 476673 (VCV000476673.7), dbSNP rs1554940545, ClinGen allele CA658658042.